The following is an entry in ClinVar:

ClinVar aggregate classification (germline): Conflicting classifications of pathogenicity. Review status: criteria provided, conflicting classifications (1 of 4 stars). 3 submissions from 2 submitters: Uncertain significance (1); Benign (1); Likely benign (1). Last evaluated 2025-11-10.

Conditions:
GTP cyclohydrolase I deficiency. Identifiers: MedGen C0268467, MONDO:0100184.
Dystonia 5 (DRD). Also called: DYSTONIA, PROGRESSIVE, WITH DIURNAL VARIATION; DYSTONIA-PARKINSONISM WITH DIURNAL FLUCTUATION; Dystonia, DOPA-responsive, with or without hyperphenylalaninemia; GTP Cyclohydrolase 1-Deficient Dopa-Responsive Dystonia; DYT-GCH1. Identifiers: Orphanet 98808, MedGen C1851920, MONDO:0007495, OMIM 128230.

Allele frequency attached by ClinVar (database versions not stated): 1000 Genomes Project 0.00040; TOPMed 0.00058; 1000 Genomes Project 30x 0.00062; ESP Exome Variant Server 0.00092.
gnomAD v4.1: 176 of 1,483,854 alleles (0.012%); highest among the groups gnomAD compares: African/African-American, 0.22%; no homozygotes.

Submissions (3):

Labcorp Genetics (formerly Invitae), Labcorp
Classification: Likely benign for GTP cyclohydrolase I deficiency; Dystonia 5. Last evaluated: 2025-11-10. Review status: criteria provided, single submitter. Criteria: Invitae Variant Classification Sherloc (09022015). Collection method: clinical testing. Allele origin: germline.

Illumina Laboratory Services, Illumina
Classification: Uncertain significance for GTP cyclohydrolase I deficiency with hyperphenylalaninemia. Last evaluated: 2018-01-13. Review status: criteria provided, single submitter. Criteria: ICSL Variant Classification Criteria 13 December 2019. Collection method: clinical testing. Allele origin: germline.

Illumina Laboratory Services, Illumina
Classification: Benign for Dystonia 5. Last evaluated: 2018-01-13. Review status: criteria provided, single submitter. Criteria: ICSL Variant Classification Criteria 13 December 2019. Collection method: clinical testing. Allele origin: germline.
Comment: This variant was observed in the ICSL laboratory as part of a predisposition screen in an ostensibly healthy population. It had not been previously curated by ICSL or reported in the Human Gene Mutation Database (HGMD: prior to June 1st, 2018), and was therefore a candidate for classification through an automated scoring system. Utilizing variant allele frequency, disease prevalence and penetrance estimates, and inheritance mode, an automated score was calculated to assess if this variant is too frequent to cause the disease. Based on the score and internal cut-off values, a variant classified as benign is not then subjected to further curation. The score for this variant resulted in a classification of benign for this disease.

NM_000161.3(GCH1):c.626+9G>T

Gene: GCH1 (GTP cyclohydrolase 1; minus strand). Cytogenetic location: 14q22.2.
Variant type: single nucleotide variant.
Coding change: c.626+9G>T on transcript NM_000161.3 (MANE Select); 9 bases into the intron after coding-DNA position 626, G replaced by T.
Molecular consequence: intron variant.
Genome position (GRCh38, 1-based): chr14:54,845,759, C>A on the plus strand (G>T on the coding strand, the complement: GCH1 is on the minus strand). VCF-style: chr14-54845759-C-A. GRCh37 (hg19) VCF-style: chr14-55312477-C-A.
Other names: c.626+9G>T (NM_001024071.2, NM_001024070.2, NM_001024024.2).
Identifiers: ClinVar variation 313391 (VCV000313391.15), dbSNP rs374007793, ClinGen allele CA7193523.